The following is an entry in ClinVar:

ClinVar aggregate classification (germline): Uncertain significance (1 of 4 stars; one submission).

Conditions:
GRN-related frontotemporal lobar degeneration with Tdp43 inclusions (FTD2). Also called: DEMENTIA, HEREDITARY DYSPHASIC DISINHIBITION; FRONTOTEMPORAL LOBAR DEGENERATION WITH UBIQUITIN-POSITIVE INCLUSIONS; FTLD-TDP, GRN-RELATED; GRN Frontotemporal Dementia; FRONTOTEMPORAL DEMENTIA WITH TDP43 INCLUSIONS, GRN-RELATED. Identifiers: Orphanet 100070, Orphanet 282, MedGen C1843792, MONDO:0011842, OMIM 607485. Disease mechanism: loss of function.
Neuronal ceroid lipofuscinosis 11. Also called: GRN-Related Neuronal Ceroid-Lipofuscinosis. Identifiers: Orphanet 314629, Orphanet 79262, MedGen C3539123, MONDO:0013866, OMIM 614706.

Allele frequency attached by ClinVar (database versions not stated): gnomAD exomes below 0.00001; ExAC 0.00001.
gnomAD v4.1: 3 of 1,606,310 alleles (0.00019%); highest among the groups gnomAD compares: South Asian, 0.0011%; no homozygotes.

Submission:

Labcorp Genetics (formerly Invitae), Labcorp
Classification: Uncertain significance for Neuronal ceroid lipofuscinosis 11; GRN-related frontotemporal lobar degeneration with Tdp43 inclusions. Last evaluated: 2018-04-14. Review status: criteria provided, single submitter. Criteria: Invitae Variant Classification Sherloc (09022015). Collection method: clinical testing. Allele origin: germline.
Comment: In summary, the available evidence is currently insufficient to determine the role of this variant in disease. Therefore, it has been classified as a Variant of Uncertain Significance. This sequence change replaces glycine with aspartic acid at codon 117 of the GRN protein (p.Gly117Asp). The glycine residue is weakly conserved and there is a moderate physicochemical difference between glycine and aspartic acid. This variant is present in population databases (rs758131649, ExAC 0.006%). This variant has not been reported in the literature in individuals with GRN-related disease. Algorithms developed to predict the effect of missense changes on protein structure and function output the following: SIFT: "Tolerated"; PolyPhen-2: "Benign"; Align-GVGD: "Class C0". The aspartic acid amino acid residue is found in multiple mammalian species, suggesting that this missense change does not adversely affect protein function. These predictions have not been confirmed by published functional studies and their clinical significance is uncertain.

NM_002087.4(GRN):c.350G>A (p.Gly117Asp)

Gene: GRN (granulin precursor; plus strand). Cytogenetic location: 17q21.31.
Variant type: single nucleotide variant.
Coding change: c.350G>A on transcript NM_002087.4 (MANE Select); coding-DNA position 350, G replaced by A.
Protein change: p.Gly117Asp; replaces glycine 117 with aspartic acid.
Molecular consequence: missense variant.
Genome position (GRCh38, 1-based): chr17:44,350,228, G>A. VCF-style: chr17-44350228-G-A. GRCh37 (hg19) VCF-style: chr17-42427596-G-A.
Other names: short protein forms G117D.
Identifiers: ClinVar variation 1020306 (VCV001020306.8), dbSNP rs758131649, ClinGen allele CA8601861.